The following is an entry in ClinVar:

NM_001267550.2(TTN):c.69490G>A (p.Val23164Met)

Genes: TTN (titin; minus strand), TTN-AS1 (TTN antisense RNA 1; plus strand). Cytogenetic location: 2q31.2.
Variant type: single nucleotide variant.
Coding change: c.69490G>A on transcript NM_001267550.2 (MANE Select); coding-DNA position 69490, G replaced by A.
Protein change: p.Val23164Met; replaces valine 23164 with methionine.
Molecular consequence: missense variant.
Genome position (GRCh38, 1-based): chr2:178,576,754, C>T on the plus strand (G>A on the coding strand, the complement: TTN is on the minus strand). VCF-style: chr2-178576754-C-T. GRCh37 (hg19) VCF-style: chr2-179441481-C-T.
Other names: c.64567G>A, p.Val21523Met (NM_001256850.1); c.42295G>A, p.Val14099Met (NM_003319.4); c.61786G>A, p.Val20596Met (NM_133378.4); c.42670G>A, p.Val14224Met (NM_133432.3); c.42871G>A, p.Val14291Met (NM_133437.4); c.69490G>A (NM_001267550.1); short protein forms V23164M, V20596M, V21523M, V14224M, V14099M, V14291M.
Identifiers: ClinVar variation 332794 (VCV000332794.6), dbSNP rs755341733, ClinGen allele CA10612051.

ClinVar aggregate classification (germline): Uncertain significance. Review status: criteria provided, multiple submitters, no conflicts (2 of 4 stars). 6 submissions from 2 submitters: Uncertain significance (6). Last evaluated 2024-08-26.

Conditions:
Myopathy, myofibrillar, 9, with early respiratory failure (MFM9). Also called: Myopathy, distal, with early respiratory failure, autosomal dominant; Hereditary myopathy with early respiratory failure; EDSTROM MYOPATHY; MYOPATHY, PROXIMAL, WITH EARLY RESPIRATORY MUSCLE INVOLVEMENT. Identifiers: Orphanet 178464, Orphanet 34521, MedGen C1863599, MONDO:0011362, OMIM 603689.
Tibial muscular dystrophy (TMD). Also called: Udd Distal Myopathy – Tibial Muscular Dystrophy; UDD MYOPATHY; Tibial muscular dystrophy, tardive. Identifiers: Orphanet 609, MedGen C1838244, MONDO:0010870, OMIM 600334.
Dilated cardiomyopathy 1G (CMD1G). Identifiers: Orphanet 154, MedGen C1858763, MONDO:0011400, OMIM 604145.
Early-onset myopathy with fatal cardiomyopathy (CMYO5). Also called: CONGENITAL MYOPATHY 5 WITH CARDIOMYOPATHY; Salih Myopathy. Identifiers: Orphanet 289377, MedGen C2673677, MONDO:0012714, OMIM 611705. Disease mechanism: loss of function.
Autosomal recessive limb-girdle muscular dystrophy type 2J (LGMDR10). Also called: MUSCULAR DYSTROPHY, LIMB-GIRDLE, AUTOSOMAL RECESSIVE 10; Limb-girdle muscular dystrophy, type 2J. Identifiers: Orphanet 140922, MedGen C1837342, MONDO:0012127, OMIM 608807.

gnomAD v4.1: 4 of 1,613,520 alleles (0.00025%); highest among the groups gnomAD compares: South Asian, 0.0011%; no homozygotes.

Submissions (6):

GeneDx
Classification: Uncertain significance. Last evaluated: 2024-08-26. Review status: criteria provided, single submitter. Criteria: GeneDx Variant Classification Process June 2021. Collection method: clinical testing. Allele origin: germline. Affected: yes.
Comment: Not observed at significant frequency in large population cohorts (gnomAD); Missense variant in a gene in which most reported pathogenic variants are truncating/loss of function; Has not been previously published as pathogenic or benign to our knowledge

Illumina Laboratory Services, Illumina
Classification: Uncertain significance for Autosomal recessive limb-girdle muscular dystrophy type 2J. Last evaluated: 2018-01-13. Review status: criteria provided, single submitter. Criteria: ICSL Variant Classification Criteria 13 December 2019. Collection method: clinical testing. Allele origin: germline.

Illumina Laboratory Services, Illumina
Classification: Uncertain significance for Myopathy, myofibrillar, 9, with early respiratory failure. Last evaluated: 2018-01-13. Review status: criteria provided, single submitter. Criteria: ICSL Variant Classification Criteria 13 December 2019. Collection method: clinical testing. Allele origin: germline.

Illumina Laboratory Services, Illumina
Classification: Uncertain significance for Tibial muscular dystrophy. Last evaluated: 2018-01-13. Review status: criteria provided, single submitter. Criteria: ICSL Variant Classification Criteria 13 December 2019. Collection method: clinical testing. Allele origin: germline.

Illumina Laboratory Services, Illumina
Classification: Uncertain significance for Dilated cardiomyopathy 1G. Last evaluated: 2018-01-13. Review status: criteria provided, single submitter. Criteria: ICSL Variant Classification Criteria 13 December 2019. Collection method: clinical testing. Allele origin: germline.

Illumina Laboratory Services, Illumina
Classification: Uncertain significance for Early-onset myopathy with fatal cardiomyopathy. Last evaluated: 2018-01-13. Review status: criteria provided, single submitter. Criteria: ICSL Variant Classification Criteria 13 December 2019. Collection method: clinical testing. Allele origin: germline.